The following is an entry in ClinVar:

NM_005050.4(ABCD4):c.1328-10G>A

Gene: ABCD4 (ATP binding cassette subfamily D member 4; minus strand). Cytogenetic location: 14q24.3.
Variant type: single nucleotide variant.
Coding change: c.1328-10G>A on transcript NM_005050.4 (MANE Select); 10 bases into the intron before coding-DNA position 1328, G replaced by A.
Molecular consequence: intron variant.
Genome position (GRCh38, 1-based): chr14:74,290,128, C>T on the plus strand (G>A on the coding strand, the complement: ABCD4 is on the minus strand). VCF-style: chr14-74290128-C-T. GRCh37 (hg19) VCF-style: chr14-74756831-C-T.
Other names: c.539-10G>A (NM_001353607.2, NM_001353604.2, NM_001353603.2 and 6 more transcripts); c.851-10G>A (NM_001353598.2, NM_001353601.2, NM_001353600.2 and 2 more transcripts); c.1016-10G>A (NM_001353594.2); c.1067-10G>A (NM_001353593.2); c.863-10G>A (NM_001353597.2); c.914-10G>A (NM_001353596.2, NM_001353595.2); c.1202-10G>A (NM_001353591.2, NM_001353592.2); c.1328-10G>A (NM_020325.3).
Identifiers: ClinVar variation 2165558 (VCV002165558.4), dbSNP rs1237786625, ClinGen allele CA615040392.

ClinVar aggregate classification (germline): Uncertain significance (1 of 4 stars; one submission).

Conditions:
Methylmalonic acidemia with homocystinuria, type cblJ (MAHCJ). Also called: METHYLMALONIC ACIDURIA AND HOMOCYSTINURIA, cblJ TYPE. Identifiers: Orphanet 369955, MedGen C3553915, MONDO:0013925, OMIM 614857.

Allele frequency attached by ClinVar (database versions not stated): TOPMed below 0.00001; gnomAD exomes 0.00001.
gnomAD v4.1: 21 of 1,614,132 alleles (0.0013%); highest among the groups gnomAD compares: Admixed American, 0.0017%; no homozygotes.

Submission:

Labcorp Genetics (formerly Invitae), Labcorp
Classification: Uncertain significance for Methylmalonic acidemia with homocystinuria, type cblJ. Last evaluated: 2024-10-26. Review status: criteria provided, single submitter. Criteria: Invitae Variant Classification Sherloc (09022015). Collection method: clinical testing. Allele origin: germline.
Comment: This sequence change falls in intron 12 of the ABCD4 gene. It does not directly change the encoded amino acid sequence of the ABCD4 protein. This variant is present in population databases (no rsID available, gnomAD 0.003%). This variant has not been reported in the literature in individuals affected with ABCD4-related conditions. ClinVar contains an entry for this variant (Variation ID: 2165558). Algorithms developed to predict the effect of sequence changes on RNA splicing suggest that this variant may disrupt the consensus splice site. In summary, the available evidence is currently insufficient to determine the role of this variant in disease. Therefore, it has been classified as a Variant of Uncertain Significance.